The following is an entry in ClinVar:

ClinVar aggregate classification (germline): Uncertain significance (1 of 4 stars; one submission).

Conditions:
Inherited polyposis and early onset colorectal cancer - germline testing.

Submission:

Cambridge Genomics Laboratory, East Genomic Laboratory Hub, NHS Genomic Medicine Service
Classification: Uncertain significance for Inherited polyposis and early onset colorectal cancer - germline testing. Last evaluated: 2025-02-21. Review status: criteria provided, single submitter. Criteria: ACGS Best Practice Guidelines for Variant Classification in Rare Disease 2020. Collection method: clinical testing. Allele origin: germline. Affected: yes.
Comment: PM2,PP3

NM_000535.7(PMS2):c.2222A>C (p.Glu741Ala)

Gene: PMS2 (PMS1 homolog 2, mismatch repair system component; minus strand). Cytogenetic location: 7p22.1.
Variant type: single nucleotide variant.
Coding change: c.2222A>C on transcript NM_000535.7 (MANE Select); coding-DNA position 2222, A replaced by C.
Protein change: p.Glu741Ala; replaces glutamic acid 741 with alanine.
Molecular consequence: missense variant. On other transcripts: non-coding transcript variant (1), intron variant (2).
Genome position (GRCh38, 1-based): chr7:5,978,649, T>G on the plus strand (A>C on the coding strand, the complement: PMS2 is on the minus strand). VCF-style: chr7-5978649-T-G. GRCh37 (hg19) VCF-style: chr7-6018280-T-G.
Other names: c.1817A>C, p.Glu606Ala (NM_001322003.2, NM_001322004.2, NM_001322005.2 and 14 more transcripts); c.2066A>C, p.Glu689Ala (NM_001322006.2, NM_001406870.1); c.1904A>C, p.Glu635Ala (NM_001322007.2, NM_001322008.2, NM_001406876.1 and 1 more transcripts); c.1661A>C, p.Glu554Ala (NM_001322010.2, NM_001406906.1, NM_001406907.1); c.1289A>C, p.Glu430Ala (NM_001322011.2, NM_001322012.2); c.1649A>C, p.Glu550Ala (NM_001322013.2, NM_001406908.1, NM_001406909.1); c.2222A>C, p.Glu741Ala (NM_001322014.2); c.1913A>C, p.Glu638Ala (NM_001322015.2, NM_001406875.1, NM_001406877.1 and 5 more transcripts); and 16 more; short protein forms E340A, E430A, E484A, E550A, E554A, E570A, E579A, E583A.
Identifiers: ClinVar variation 4683076 (VCV004683076.1).
Genomic context (GRCh38, chr7:5,978,649, plus strand): 5'-AACTTACCATTTTCATCGATAACAAAATCAAAGCCATTCTTTCTAAATATTTCCAGATTT[T>G]CTATCAGAACAGCTTCATTAACAGCAGTTAAGTTGAGAGTCTGAGGTCTGAAAAACACAA-3'
Protein context (NP_000526.2, residues 731-751): LTAVNEAVLI[Glu741Ala]NLEIFRKNGF